The following is an entry in ClinVar:

ClinVar aggregate classification (germline): Pathogenic (1 of 4 stars; one submission).

Submission:

Labcorp Genetics (formerly Invitae), Labcorp
Classification: Pathogenic. Last evaluated: 2023-05-22. Review status: criteria provided, single submitter. Criteria: Invitae Variant Classification Sherloc (09022015). Collection method: clinical testing. Allele origin: germline.
Comment: This variant has not been reported in the literature in individuals affected with TSEN54-related conditions. This sequence change creates a premature translational stop signal (p.Glu194Glyfs*18) in the TSEN54 gene. It is expected to result in an absent or disrupted protein product. Loss-of-function variants in TSEN54 are known to be pathogenic (PMID: 18711368, 20952379). This variant is present in population databases (rs747549006, gnomAD 0.006%). ClinVar contains an entry for this variant (Variation ID: 1957365). For these reasons, this variant has been classified as Pathogenic.

Literature cited by the submitters: PubMed 18711368; PubMed 20952379.

NM_207346.3(TSEN54):c.580dup (p.Glu194fs)

Gene: TSEN54 (tRNA splicing endonuclease subunit 54; plus strand). Cytogenetic location: 17q25.1.
Variant type: Duplication.
Coding change: c.580dup on transcript NM_207346.3 (MANE Select); coding-DNA position 580, one base duplicated (G; older notation c.580dupG).
Protein change: p.Glu194fs; shifts the reading frame from glutamic acid 194.
Molecular consequence: frameshift variant.
Genome position (GRCh38, 1-based): chr17:75,521,467, G duplicated; the last of 2 consecutive G bases (chr17:75,521,466-75,521,467); duplicating either gives the same sequence. VCF-style (leftmost placement, unchanged base first): chr17-75521465-T-TG. GRCh37 (hg19) VCF-style: chr17-73517546-T-TG.
Other names: short protein forms E194fs.
Identifiers: ClinVar variation 1957365 (VCV001957365.5), dbSNP rs747549006, ClinGen allele CA8764206.
Genomic context (GRCh38, chr17:75,521,465, plus strand): 5'-ACAGCTCTGTCCTGTCCCCGTATGAGAGGCAGCTTAACCTGGATGCCAGCGTGCAGCACT[T>TG]GGAGGATGGAGATGGCAAGAGAAAGAGGAGCAGCTCCAGCCCTCGGTAACTCCCACATCA-3'